The following is an entry in ClinVar:

NM_003410.4(ZFX):c.1478G>A (p.Cys493Tyr)

Gene: ZFX (zinc finger protein X-linked; plus strand). Cytogenetic location: Xp22.11.
Variant type: single nucleotide variant.
Coding change: c.1478G>A on transcript NM_003410.4 (MANE Select); coding-DNA position 1478, G replaced by A.
Protein change: p.Cys493Tyr; replaces cysteine 493 with tyrosine.
Molecular consequence: missense variant. On other transcripts: 3 prime UTR variant (1).
Genome position (GRCh38, 1-based): chrX:24,210,436, G>A. VCF-style: chrX-24210436-G-A. GRCh37 (hg19) VCF-style: chrX-24228553-G-A.
Other names: c.1478G>A, p.Cys493Tyr (NM_001178084.2, NM_001178085.1); c.791G>A, p.Cys264Tyr (NM_001178086.2); c.*238G>A (NM_001178095.2); c.1595G>A, p.Cys532Tyr (NM_001330327.2); short protein forms C264Y, C493Y, C532Y.
Identifiers: ClinVar variation 3898799 (VCV003898799.1).

ClinVar aggregate classification (germline): Uncertain significance (1 of 4 stars; one submission).

Submission:

GeneDx
Classification: Uncertain significance. Last evaluated: 2024-11-10. Review status: criteria provided, single submitter. Criteria: GeneDx Variant Classification Process June 2021. Collection method: clinical testing. Allele origin: germline. Affected: yes.
Comment: Not observed at significant frequency in large population cohorts (gnomAD); In silico analysis supports that this missense variant has a deleterious effect on protein structure/function; Has not been previously published as pathogenic or benign to our knowledge